The following is an entry in ClinVar:

ClinVar aggregate classification (germline): Uncertain significance (1 of 4 stars; one submission).

Allele frequency attached by ClinVar (database versions not stated): ExAC 0.00001.
gnomAD v4.1: 1 of 1,612,296 alleles (0.000062%); highest among the groups gnomAD compares: Admixed American, 0.0017%; no homozygotes.

Submission:

Labcorp Genetics (formerly Invitae), Labcorp
Classification: Uncertain significance. Last evaluated: 2022-07-23. Review status: criteria provided, single submitter. Criteria: Invitae Variant Classification Sherloc (09022015). Collection method: clinical testing. Allele origin: germline.
Comment: In summary, the available evidence is currently insufficient to determine the role of this variant in disease. Therefore, it has been classified as a Variant of Uncertain Significance. Algorithms developed to predict the effect of missense changes on protein structure and function are either unavailable or do not agree on the potential impact of this missense change (SIFT: "Tolerated"; PolyPhen-2: "Probably Damaging"; Align-GVGD: "Class C25"). This variant has not been reported in the literature in individuals affected with CRLF1-related conditions. This variant is present in population databases (rs768825506, gnomAD 0.003%). This sequence change replaces arginine, which is basic and polar, with cysteine, which is neutral and slightly polar, at codon 402 of the CRLF1 protein (p.Arg402Cys).

NM_004750.5(CRLF1):c.1204C>T (p.Arg402Cys)

Genes: CRLF1 (cytokine receptor like factor 1; minus strand), LOC130064020 (ATAC-STARR-seq lymphoblastoid silent region 10410; plus strand). Cytogenetic location: 19p13.11.
Variant type: single nucleotide variant.
Coding change: c.1204C>T on transcript NM_004750.5 (MANE Select); coding-DNA position 1204, C replaced by T.
Protein change: p.Arg402Cys; replaces arginine 402 with cysteine.
Molecular consequence: missense variant.
Genome position (GRCh38, 1-based): chr19:18,594,255, G>A on the plus strand (C>T on the coding strand, the complement: CRLF1 is on the minus strand). VCF-style: chr19-18594255-G-A. GRCh37 (hg19) VCF-style: chr19-18705065-G-A.
Other names: short protein forms R402C.
Identifiers: ClinVar variation 2101962 (VCV002101962.4), dbSNP rs768825506, ClinGen allele CA9313986.